The following is an entry in ClinVar:

ClinVar aggregate classification (germline): Uncertain significance. Review status: criteria provided, multiple submitters, no conflicts (2 of 4 stars). 2 submissions from 2 submitters: Uncertain significance (2). Last evaluated 2025-07-15.

Conditions:
Inborn genetic diseases. Identifiers: MedGen C0950123, MeSH D030342.

Submissions (2):

Ambry Genetics
Classification: Uncertain significance for Inborn genetic diseases. Last evaluated: 2025-07-15. Review status: criteria provided, single submitter. Criteria: Ambry Variant Classification Scheme 2023. Collection method: clinical testing. Allele origin: germline.

Labcorp Genetics (formerly Invitae), Labcorp
Classification: Uncertain significance. Last evaluated: 2022-07-29. Review status: criteria provided, single submitter. Criteria: Invitae Variant Classification Sherloc (09022015). Collection method: clinical testing. Allele origin: germline.
Comment: This sequence change replaces glycine, which is neutral and non-polar, with alanine, which is neutral and non-polar, at codon 908 of the PCDH15 protein (p.Gly908Ala). This variant is not present in population databases (gnomAD no frequency). This variant has not been reported in the literature in individuals affected with PCDH15-related conditions. Algorithms developed to predict the effect of missense changes on protein structure and function are either unavailable or do not agree on the potential impact of this missense change (SIFT: "Deleterious"; PolyPhen-2: "Probably Damaging"; Align-GVGD: "Class C0"). In summary, the available evidence is currently insufficient to determine the role of this variant in disease. Therefore, it has been classified as a Variant of Uncertain Significance.

NM_001384140.1(PCDH15):c.2723G>C (p.Gly908Ala)

Gene: PCDH15 (protocadherin related 15; minus strand). Cytogenetic location: 10q21.1.
Variant type: single nucleotide variant.
Coding change: c.2723G>C on transcript NM_001384140.1 (MANE Select); coding-DNA position 2723, G replaced by C.
Protein change: p.Gly908Ala; replaces glycine 908 with alanine.
Molecular consequence: missense variant.
Genome position (GRCh38, 1-based): chr10:54,020,220, C>G on the plus strand (G>C on the coding strand, the complement: PCDH15 is on the minus strand). VCF-style: chr10-54020220-C-G. GRCh37 (hg19) VCF-style: chr10-55779980-C-G.
Other names: c.2738G>C, p.Gly913Ala (NM_001142763.2, NM_001142771.2); c.2723G>C, p.Gly908Ala (NM_001142764.2, NM_001142766.2, NM_001142770.3 and 5 more transcripts); c.2510G>C, p.Gly837Ala (NM_001142765.2); c.2612G>C, p.Gly871Ala (NM_001142767.2); c.2657G>C, p.Gly886Ala (NM_001142768.2, NM_001142773.2, NM_001354404.2); c.2759G>C, p.Gly920Ala (NM_001142769.4); c.2744G>C, p.Gly915Ala (NM_001354411.2); short protein forms G913A, G915A, G871A, G920A, G837A, G886A, G908A.
Identifiers: ClinVar variation 2151009 (VCV002151009.5), dbSNP rs746314678, ClinGen allele CA376522028.